The following is an entry in ClinVar:

ClinVar aggregate classification (germline): Uncertain significance (1 of 4 stars; one submission).

Allele frequency attached by ClinVar (database versions not stated): gnomAD 0.00002; TOPMed 0.00003; gnomAD exomes 0.00004; ESP Exome Variant Server 0.00009.
gnomAD v4.1: 50 of 1,549,214 alleles (0.0032%); highest among the groups gnomAD compares: Middle Eastern, 0.023%; no homozygotes.

Submission:

Labcorp Genetics (formerly Invitae), Labcorp
Classification: Uncertain significance. Last evaluated: 2022-06-14. Review status: criteria provided, single submitter. Criteria: Invitae Variant Classification Sherloc (09022015). Collection method: clinical testing. Allele origin: germline.
Comment: This sequence change replaces arginine, which is basic and polar, with tryptophan, which is neutral and slightly polar, at codon 889 of the CTDP1 protein (p.Arg889Trp). This variant is present in population databases (rs370955707, gnomAD 0.005%). This variant has not been reported in the literature in individuals affected with CTDP1-related conditions. Algorithms developed to predict the effect of missense changes on protein structure and function output the following: SIFT: "Deleterious"; PolyPhen-2: "Possibly Damaging"; Align-GVGD: "Class C0". The tryptophan amino acid residue is found in multiple mammalian species, which suggests that this missense change does not adversely affect protein function. In summary, the available evidence is currently insufficient to determine the role of this variant in disease. Therefore, it has been classified as a Variant of Uncertain Significance.

NM_004715.5(CTDP1):c.2665C>T (p.Arg889Trp)

Gene: CTDP1 (CTD phosphatase subunit 1; plus strand). Cytogenetic location: 18q23.
Variant type: single nucleotide variant.
Coding change: c.2665C>T on transcript NM_004715.5 (MANE Select); coding-DNA position 2665, C replaced by T.
Protein change: p.Arg889Trp; replaces arginine 889 with tryptophan.
Molecular consequence: missense variant. On other transcripts: synonymous variant (1), intron variant (1).
Genome position (GRCh38, 1-based): chr18:79,736,439, C>T. VCF-style: chr18-79736439-C-T. GRCh37 (hg19) VCF-style: chr18-77496439-C-T.
Other names: c.2308C>T, p.Arg770Trp (NM_001202504.1); c.2502C>T, p.Pro834= (NM_048368.4); c.2580+7370C>T (NM_001318511.2); short protein forms R770W, R889W.
Identifiers: ClinVar variation 2187525 (VCV002187525.1), dbSNP rs370955707, ClinGen allele CA303785705.